The following is an entry in ClinVar:

NM_024301.5(FKRP):c.781G>C (p.Gly261Arg)

Gene: FKRP (fukutin related protein; plus strand). Cytogenetic location: 19q13.32.
Variant type: single nucleotide variant.
Coding change: c.781G>C on transcript NM_024301.5 (MANE Select); coding-DNA position 781, G replaced by C.
Protein change: p.Gly261Arg; replaces glycine 261 with arginine.
Molecular consequence: missense variant.
Genome position (GRCh38, 1-based): chr19:46,756,231, G>C. VCF-style: chr19-46756231-G-C. GRCh37 (hg19) VCF-style: chr19-47259488-G-C.
Other names: c.781G>C, p.Gly261Arg (NM_001039885.3); short protein forms G261R.
Identifiers: ClinVar variation 1025214 (VCV001025214.8), dbSNP rs561169991, ClinGen allele CA406496004.
Genomic context (GRCh38, chr19:46,756,231, plus strand): 5'-GCCGCGGCGCGCCAGCCCCCGCTGGCCACGGCCCACGCGCGCTGGAAGGCTGAGCGCGAG[G>C]GACGCGCTCGGCGGGCGGCGCTGCTCCGCGCGCTGGGCATCCGCCTAGTGAGCTGGGAAG-3'
Protein context (NP_077277.1, residues 251-271): AHARWKAERE[Gly261Arg]RARRAALLRA

ClinVar aggregate classification (germline): Uncertain significance (1 of 4 stars; one submission).

Conditions:
Walker-Warburg congenital muscular dystrophy. Also called: Muscular dystrophy-dystroglycanopathy, type A; Walker-Warburg syndrome. Identifiers: Orphanet 899, MedGen C0265221, MONDO:0000171.

Submission:

Labcorp Genetics (formerly Invitae), Labcorp
Classification: Uncertain significance for Walker-Warburg congenital muscular dystrophy. Last evaluated: 2022-02-03. Review status: criteria provided, single submitter. Criteria: Invitae Variant Classification Sherloc (09022015). Collection method: clinical testing. Allele origin: germline.
Comment: This sequence change replaces glycine, which is neutral and non-polar, with arginine, which is basic and polar, at codon 261 of the FKRP protein (p.Gly261Arg). In summary, the available evidence is currently insufficient to determine the role of this variant in disease. Therefore, it has been classified as a Variant of Uncertain Significance. Algorithms developed to predict the effect of missense changes on protein structure and function (SIFT, PolyPhen-2, Align-GVGD) all suggest that this variant is likely to be tolerated. ClinVar contains an entry for this variant (Variation ID: 1025214). This variant has not been reported in the literature in individuals affected with FKRP-related conditions. This variant is not present in population databases (gnomAD no frequency).